The following is an entry in ClinVar:

NM_018713.3(SLC30A10):c.1040C>T (p.Ala347Val)

Gene: SLC30A10 (solute carrier family 30 member 10; minus strand). Cytogenetic location: 1q41.
Variant type: single nucleotide variant.
Coding change: c.1040C>T on transcript NM_018713.3 (MANE Select); coding-DNA position 1040, C replaced by T.
Protein change: p.Ala347Val; replaces alanine 347 with valine.
Molecular consequence: missense variant. On other transcripts: non-coding transcript variant (2).
Genome position (GRCh38, 1-based): chr1:219,915,867, G>A on the plus strand (C>T on the coding strand, the complement: SLC30A10 is on the minus strand). VCF-style: chr1-219915867-G-A. GRCh37 (hg19) VCF-style: chr1-220089209-G-A.
Other names: c.851C>T, p.Ala284Val (NM_001376929.1); c.1040C>T (NM_018713.2); short protein forms A284V, A347V.
Identifiers: ClinVar variation 2198241 (VCV002198241.5), dbSNP rs1659528560, ClinGen allele CA344732295.

ClinVar aggregate classification (germline): Uncertain significance. Review status: criteria provided, multiple submitters, no conflicts (2 of 4 stars). 2 submissions from 2 submitters: Uncertain significance (2). Last evaluated 2025-05-21.

Conditions:
Inborn genetic diseases. Identifiers: MedGen C0950123, MeSH D030342.

Allele frequency attached by ClinVar (database versions not stated): TOPMed below 0.00001; gnomAD 0.00001.
gnomAD v4.1: 1 of 1,614,042 alleles (0.000062%); highest among the groups gnomAD compares: African/African-American, 0.0013%; no homozygotes.

Submissions (2):

Ambry Genetics
Classification: Uncertain significance for Inborn genetic diseases. Last evaluated: 2025-05-21. Review status: criteria provided, single submitter. Criteria: Ambry Variant Classification Scheme 2023. Collection method: clinical testing. Allele origin: germline.

Labcorp Genetics (formerly Invitae), Labcorp
Classification: Uncertain significance. Last evaluated: 2023-12-18. Review status: criteria provided, single submitter. Criteria: Invitae Variant Classification Sherloc (09022015). Collection method: clinical testing. Allele origin: germline.
Comment: This sequence change replaces alanine, which is neutral and non-polar, with valine, which is neutral and non-polar, at codon 347 of the SLC30A10 protein (p.Ala347Val). This variant is not present in population databases (gnomAD no frequency). This variant has not been reported in the literature in individuals affected with SLC30A10-related conditions. ClinVar contains an entry for this variant (Variation ID: 2198241). Advanced modeling of protein sequence and biophysical properties (such as structural, functional, and spatial information, amino acid conservation, physicochemical variation, residue mobility, and thermodynamic stability) performed at Invitae indicates that this missense variant is expected to disrupt SLC30A10 protein function with a positive predictive value of 80%. In summary, the available evidence is currently insufficient to determine the role of this variant in disease. Therefore, it has been classified as a Variant of Uncertain Significance.